The following is an entry in ClinVar:

ClinVar aggregate classification (germline): Conflicting classifications of pathogenicity. Review status: criteria provided, conflicting classifications (1 of 4 stars). 3 submissions from 3 submitters: Uncertain significance (1); Likely benign (2). Last evaluated 2025-12-08.

Conditions:
Cardiovascular phenotype. Identifiers: MedGen CN230736.
Duchenne muscular dystrophy (DMD). Also called: MUSCULAR DYSTROPHY, PSEUDOHYPERTROPHIC PROGRESSIVE, DUCHENNE TYPE; Duchenne Muscular Dystrophy (DMD). Identifiers: Orphanet 98896, MedGen C0013264, MONDO:0010679, OMIM 310200.

Allele frequency attached by ClinVar (database versions not stated): TOPMed 0.00001; ExAC 0.00002; gnomAD 0.00003; gnomAD exomes 0.00005; ESP Exome Variant Server 0.00009.
gnomAD v4.1: 61 of 1,207,722 alleles (0.0051%); highest among the groups gnomAD compares: Non-Finnish European, 0.0064%; no homozygotes.

Submissions (3):

Labcorp Genetics (formerly Invitae), Labcorp
Classification: Likely benign for Duchenne muscular dystrophy. Last evaluated: 2025-12-08. Review status: criteria provided, single submitter. Criteria: Invitae Variant Classification Sherloc (09022015). Collection method: clinical testing. Allele origin: germline.

CeGaT Center for Human Genetics Tuebingen
Classification: Likely benign. Last evaluated: 2024-03-01. Review status: criteria provided, single submitter. Criteria: CeGaT Center For Human Genetics Tuebingen Variant Classification Criteria Version 2. Collection method: clinical testing. Allele origin: germline. Affected: yes. Observed: 2 variant alleles.
Comment: DMD: BP1

Ambry Genetics
Classification: Uncertain significance for Cardiovascular phenotype. Last evaluated: 2023-04-14. Review status: criteria provided, single submitter. Criteria: Ambry Variant Classification Scheme 2023. Collection method: clinical testing. Allele origin: germline.
Comment: The p.L2884P variant (also known as c.8651T>C), located in coding exon 58 of the DMD gene, results from a T to C substitution at nucleotide position 8651. The leucine at codon 2884 is replaced by proline, an amino acid with similar properties. Based on data from gnomAD, the C allele has an overall frequency of 0.0033% (6/183072) total alleles studied, with 2 hemizygotes observed. The highest observed frequency was 0.0061% (5/81753) of European (non-Finnish) alleles. This amino acid position is not well conserved in available vertebrate species. In addition, this alteration is predicted to be tolerated by in silico analysis. Since supporting evidence is limited at this time, the clinical significance of this alteration remains unclear.

NM_004006.3(DMD):c.8651T>C (p.Leu2884Pro)

Gene: DMD (dystrophin; minus strand). Cytogenetic location: Xp21.2.
Variant type: single nucleotide variant.
Coding change: c.8651T>C on transcript NM_004006.3 (MANE Select); coding-DNA position 8651, T replaced by C.
Protein change: p.Leu2884Pro; replaces leucine 2884 with proline.
Molecular consequence: missense variant.
Genome position (GRCh38, 1-based): chrX:31,479,000, A>G on the plus strand (T>C on the coding strand, the complement: DMD is on the minus strand). VCF-style: chrX-31479000-A-G. GRCh37 (hg19) VCF-style: chrX-31497117-A-G.
Other names: c.8627T>C, p.Leu2876Pro (NM_000109.4); c.8639T>C, p.Leu2880Pro (NM_004009.3); c.8282T>C, p.Leu2761Pro (NM_004010.3); c.4628T>C, p.Leu1543Pro (NM_004011.4); c.4619T>C, p.Leu1540Pro (NM_004012.4); c.1271T>C, p.Leu424Pro (NM_004013.3, NM_004020.4, NM_004021.3 and 2 more transcripts); c.464T>C, p.Leu155Pro (NM_004014.3); short protein forms L1540P, L155P, L2876P, L1543P, L2880P, L424P, L2761P, L2884P.
Identifiers: ClinVar variation 2064871 (VCV002064871.33), dbSNP rs368876795, ClinGen allele CA10378023.